The following is an entry in ClinVar:

ClinVar aggregate classification (germline): Likely benign (1 of 4 stars; one submission).

Conditions:
Telangiectasia, hereditary hemorrhagic, type 1 (HHT1). Also called: Osler Weber Rendu syndrome type 1; ENG-Related Hereditary Hemorrhagic Telangiectasia. Identifiers: Orphanet 774, MedGen C4551861, MONDO:0008535, OMIM 187300. Disease mechanism: loss of function.

Allele frequency attached by ClinVar (database versions not stated): TOPMed 0.00006; gnomAD 0.00007 and 0.00019; 1000 Genomes Project 30x 0.00078; 1000 Genomes Project 0.00100.

Submission:

Illumina Laboratory Services, Illumina
Classification: Likely benign for Telangiectasia, hereditary hemorrhagic, type 1. Last evaluated: 2018-01-13. Review status: criteria provided, single submitter. Criteria: ICSL Variant Classification Criteria 13 December 2019. Collection method: clinical testing. Allele origin: germline.
Comment: This variant was observed in the ICSL laboratory as part of a predisposition screen in an ostensibly healthy population. It had not been previously curated by ICSL or reported in the Human Gene Mutation Database (HGMD: prior to June 1st, 2018), and was therefore a candidate for classification through an automated scoring system. Utilizing variant allele frequency, disease prevalence and penetrance estimates, and inheritance mode, an automated score was calculated to assess if this variant is too frequent to cause the disease. Based on the score and internal cut-off values, a variant classified as likely benign is not then subjected to further curation. The score for this variant resulted in a classification of likely benign for this disease.

NM_001114753.3(ENG):c.*492G>A

Gene: ENG (endoglin; minus strand). Cytogenetic location: 9q34.11.
Variant type: single nucleotide variant.
Coding change: c.*492G>A on transcript NM_001114753.3 (MANE Select); 492 bases downstream of the stop codon, G replaced by A.
Molecular consequence: 3 prime UTR variant.
Genome position (GRCh38, 1-based): chr9:127,815,190, C>T on the plus strand (G>A on the coding strand, the complement: ENG is on the minus strand). VCF-style: chr9-127815190-C-T. GRCh37 (hg19) VCF-style: chr9-130577469-C-T.
Other names: c.*727G>A (NM_000118.4); c.*492G>A (NM_001278138.2).
Identifiers: ClinVar variation 912986 (VCV000912986.6), dbSNP rs148192743, ClinGen allele CA200300699.